The following is an entry in ClinVar:

ClinVar aggregate classification (germline): Uncertain significance (1 of 4 stars; one submission).

Conditions:
Retinitis pigmentosa 3. Also called: CHOROIDORETINAL DEGENERATION WITH RETINAL REFLEX IN HETEROZYGOUS WOMEN. Identifiers: Orphanet 791, MedGen C1845667, MONDO:0010227, OMIM 300029.

Submission:

Centre for Mendelian Genomics, University Medical Centre Ljubljana
Classification: Uncertain significance for Retinitis pigmentosa 3. Last evaluated: 2020-03-25. Review status: criteria provided, single submitter. Criteria: ACMG Guidelines, 2015. Collection method: clinical testing. Allele origin: unknown. Affected: yes.
Comment: This variant was classified as: Uncertain significance. The available evidence on this variant's pathogenicity is insufficient or conflicting. The following ACMG criteria were applied in classifying this variant: PM2,PP3.

NM_001034853.2(RPGR):c.1506+4del

Gene: RPGR (retinitis pigmentosa GTPase regulator; minus strand). Cytogenetic location: Xp11.4.
Variant type: Deletion.
Coding change: c.1506+4del on transcript NM_001034853.2 (MANE Select); 4 bases into the intron after coding-DNA position 1506, one base deleted (A; older notation c.1506+4delA).
Molecular consequence: intron variant.
Genome position (GRCh38, 1-based): chrX:38,291,389, T deleted on the plus strand (A on the coding strand, the reverse complement: RPGR is on the minus strand); the first of 2 consecutive T bases (chrX:38,291,389-38,291,390); deleting either gives the same sequence. VCF-style (leftmost placement, unchanged base first): chrX-38291388-AT-A. GRCh37 (hg19) VCF-style: chrX-38150641-AT-A.
Other names: c.1503+4del (NM_001367249.1, NM_001367250.1, NM_001367245.1); c.1320+4del (NM_001367251.1, NM_001367246.1); c.1506+4del (NM_001367247.1, NM_000328.3); c.1536+4del (NM_001367248.1).
Identifiers: ClinVar variation 930949 (VCV000930949.3), dbSNP rs2067276668, ClinGen allele CA1139667439.